The following is an entry in ClinVar:

ClinVar aggregate classification (germline): Uncertain significance (1 of 4 stars; one submission).

Conditions:
Immunodeficiency 18 (IMD18). Also called: CD3-EPSILON DEFICIENCY; CD3epsilon deficiency. Identifiers: MedGen C3810127, MONDO:0014278, OMIM 615615.

Allele frequency attached by ClinVar (database versions not stated): gnomAD exomes below 0.00001.
gnomAD v4.1: 2 of 1,614,038 alleles (0.00012%); highest among the groups gnomAD compares: South Asian, 0.0022%; no homozygotes.

Submission:

Labcorp Genetics (formerly Invitae), Labcorp
Classification: Uncertain significance for Immunodeficiency 18. Last evaluated: 2022-02-11. Review status: criteria provided, single submitter. Criteria: Invitae Variant Classification Sherloc (09022015). Collection method: clinical testing. Allele origin: germline.
Comment: In summary, the available evidence is currently insufficient to determine the role of this variant in disease. Therefore, it has been classified as a Variant of Uncertain Significance. Algorithms developed to predict the effect of missense changes on protein structure and function are either unavailable or do not agree on the potential impact of this missense change (SIFT: "Tolerated"; PolyPhen-2: "Possibly Damaging"; Align-GVGD: "Class C0"). ClinVar contains an entry for this variant (Variation ID: 1023154). This variant has not been reported in the literature in individuals affected with CD3E-related conditions. This variant is present in population databases (no rsID available, gnomAD 0.003%). This sequence change replaces alanine, which is neutral and non-polar, with serine, which is neutral and polar, at codon 157 of the CD3E protein (p.Ala157Ser).

NM_000733.4(CD3E):c.469G>T (p.Ala157Ser)

Gene: CD3E (CD3 epsilon subunit of T-cell receptor complex; plus strand). Cytogenetic location: 11q23.3.
Variant type: single nucleotide variant.
Coding change: c.469G>T on transcript NM_000733.4 (MANE Select); coding-DNA position 469, G replaced by T.
Protein change: p.Ala157Ser; replaces alanine 157 with serine.
Molecular consequence: missense variant.
Genome position (GRCh38, 1-based): chr11:118,313,823, G>T. VCF-style: chr11-118313823-G-T. GRCh37 (hg19) VCF-style: chr11-118184538-G-T.
Other names: short protein forms A157S.
Identifiers: ClinVar variation 1023154 (VCV001023154.8), dbSNP rs1344416489, ClinGen allele CA382784216.